The following is an entry in ClinVar:

NM_001160372.4(TRAPPC9):c.995C>T (p.Ser332Phe)

Gene: TRAPPC9 (trafficking protein particle complex subunit 9; minus strand). Cytogenetic location: 8q24.3.
Variant type: single nucleotide variant.
Coding change: c.995C>T on transcript NM_001160372.4 (MANE Select); coding-DNA position 995, C replaced by T.
Protein change: p.Ser332Phe; replaces serine 332 with phenylalanine.
Molecular consequence: missense variant. On other transcripts: non-coding transcript variant (1).
Genome position (GRCh38, 1-based): chr8:140,405,590, G>A on the plus strand (C>T on the coding strand, the complement: TRAPPC9 is on the minus strand). VCF-style: chr8-140405590-G-A. GRCh37 (hg19) VCF-style: chr8-141415689-G-A.
Other names: c.968C>T, p.Ser323Phe (NM_001321646.2); c.1016C>T, p.Ser339Phe (NM_001374682.1); c.995C>T, p.Ser332Phe (NM_001374683.1, NM_001374684.1, NM_031466.8); short protein forms S323F, S339F, S332F.
Identifiers: ClinVar variation 2006450 (VCV002006450.4), dbSNP rs2069460713, ClinGen allele CA372320607.

ClinVar aggregate classification (germline): Uncertain significance (1 of 4 stars; one submission).

Allele frequency attached by ClinVar (database versions not stated): gnomAD exomes below 0.00001; TOPMed below 0.00001.
gnomAD v4.1: 1 of 1,614,118 alleles (0.000062%); highest among the groups gnomAD compares: Non-Finnish European, 0.000085%; no homozygotes.

Submission:

Labcorp Genetics (formerly Invitae), Labcorp
Classification: Uncertain significance. Last evaluated: 2022-06-14. Review status: criteria provided, single submitter. Criteria: Invitae Variant Classification Sherloc (09022015). Collection method: clinical testing. Allele origin: germline.
Comment: In summary, the available evidence is currently insufficient to determine the role of this variant in disease. Therefore, it has been classified as a Variant of Uncertain Significance. Algorithms developed to predict the effect of missense changes on protein structure and function are either unavailable or do not agree on the potential impact of this missense change (SIFT: "Not Available"; PolyPhen-2: "Probably Damaging"; Align-GVGD: "Not Available"). This variant has not been reported in the literature in individuals affected with TRAPPC9-related conditions. This variant is not present in population databases (gnomAD no frequency). This sequence change replaces serine, which is neutral and polar, with phenylalanine, which is neutral and non-polar, at codon 430 of the TRAPPC9 protein (p.Ser430Phe).